The following is an entry in ClinVar:

NM_013382.7(POMT2):c.1333-14G>A

Gene: POMT2 (protein O-mannosyltransferase 2; minus strand). Cytogenetic location: 14q24.3.
Variant type: single nucleotide variant.
Coding change: c.1333-14G>A on transcript NM_013382.7 (MANE Select); 14 bases into the intron before coding-DNA position 1333, G replaced by A.
Molecular consequence: intron variant.
Genome position (GRCh38, 1-based): chr14:77,285,646, C>T on the plus strand (G>A on the coding strand, the complement: POMT2 is on the minus strand). VCF-style: chr14-77285646-C-T. GRCh37 (hg19) VCF-style: chr14-77751989-C-T.
Other names: IVS12AS, G-A, -14.
Identifiers: ClinVar variation 3235 (VCV000003235.12), dbSNP rs918556979, ClinGen allele CA263823667.
Genomic context (GRCh38, chr14:77,285,646, plus strand): 5'-TTTACGACCTCAATCCGCCAGAAATCATTTGAGTCCCCTGTTCCATTCTGCCATAAAAGC[C>T]AAGAAAAAAATACAAAGAAAGTGAGGGGACTTTAGAGAAAACGTGTCAGAAAGGGAAATG-3'

ClinVar aggregate classification (germline): Pathogenic/Likely pathogenic. Review status: criteria provided, multiple submitters, no conflicts (2 of 4 stars). 5 submissions from 5 submitters: Pathogenic (2); Likely pathogenic (2). 1 of the submissions does not count toward it. Last evaluated 2025-07-14.

Conditions:
Muscular dystrophy-dystroglycanopathy (congenital with brain and eye anomalies), type A2. Also called: WALKER-WARBURG SYNDROME OR MUSCLE-EYE-BRAIN DISEASE, POMT2-RELATED; MUSCULAR DYSTROPHY-DYSTROGLYCANOPATHY (CONGENITAL WITH BRAIN AND EYE ANOMALIES), TYPE A, 2. Identifiers: Orphanet 588, Orphanet 899, MedGen C3150411, MONDO:0013154, OMIM 613150.
Muscular dystrophy-dystroglycanopathy (congenital with impaired intellectual development), type B, 2. Also called: MUSCULAR DYSTROPHY, CONGENITAL, POMT2-RELATED; Muscular dystrophy-dystroglycanopathy (congenital with intellectual disability), type B2. Identifiers: MedGen C3150416, MONDO:0013160, OMIM 613156.
Autosomal recessive limb-girdle muscular dystrophy type 2N. Also called: Muscular dystrophy-dystroglycanopathy (limb-girdle), type C, 2; MUSCULAR DYSTROPHY-DYSTROGLYCANOPATHY, LIMB-GIRDLE, POMT2-RELATED. Identifiers: Orphanet 206559, MedGen C3150418, MONDO:0013162, OMIM 613158.

Submissions (5):

Labcorp Genetics (formerly Invitae), Labcorp
Classification: Pathogenic for Muscular dystrophy-dystroglycanopathy (congenital with impaired intellectual development), type B, 2; Muscular dystrophy-dystroglycanopathy (congenital with brain and eye anomalies), type A2; Autosomal recessive limb-girdle muscular dystrophy type 2N. Last evaluated: 2025-07-14. Review status: criteria provided, single submitter. Criteria: Invitae Variant Classification Sherloc (09022015). Collection method: clinical testing. Allele origin: germline.
Comment: This sequence change falls in intron 12 of the POMT2 gene. It does not directly change the encoded amino acid sequence of the POMT2 protein. RNA analysis indicates that this variant induces altered splicing and likely results in the gain of 4 amino acid residue(s), but is expected to preserve the integrity of the reading-frame. This variant is not present in population databases (gnomAD no frequency). This variant has been observed in individuals with clinical features of POMT2-related conditions (PMID: 19138766; internal data). It has also been observed to segregate with disease in related individuals. ClinVar contains an entry for this variant (Variation ID: 3235). Studies have shown that this variant results in the activation of a cryptic splice site in intron 12 (PMID: 19138766). For these reasons, this variant has been classified as Pathogenic.

3billion
Classification: Likely pathogenic for Muscular dystrophy-dystroglycanopathy (congenital with impaired intellectual development), type B, 2. Last evaluated: 2025-06-15. Review status: criteria provided, single submitter. Criteria: ACMG Guidelines, 2015. Collection method: clinical testing. Allele origin: germline. Affected: yes.
Comment: The variant is not observed in the gnomAD v4.1.0 dataset. Predicted Consequence/Location: Intron variant In silico tools predict the variant to alter splicing and produce an abnormal transcript [SpliceAI: 1.00 (>=0.2, moderate evidence for spliceogenicity)]. The variant has been reported to co-segregate with the disease in at least one similarly affected relative/individual in the same family or similarly affected unrelated families (PMID: 19138766). The variant has been reported at least twice as pathogenic without evidence for the classification (ClinVar ID: VCV000003235 /PMID: 19138766). Therefore, this variant is classified as Likely pathogenic according to the recommendation of ACMG/AMP guideline.

Laboratorio de Biologia Molecular - Genetica, Hospital de Pediatria Garrahan
Classification: Pathogenic for Muscular dystrophy-dystroglycanopathy (congenital with impaired intellectual development), type B, 2. Last evaluated: 2024-11-28. Review status: criteria provided, single submitter. Criteria: ACMG Guidelines, 2015. Collection method: clinical testing. Allele origin: germline. Inheritance: Autosomal recessive inheritance. Affected: yes. Observed: 1 homozygote.
Comment: RNA analysis of this variant has shown that it creates a cryptic splicing acceptor site, leading to the insertion of 12 base pairs at the beginning of exon 13 (PMID: 19138766). This alteration is expected to result in the insertion of 4 amino acids (p.Ile444_Asn445insLeuLeuTrpGln) at the protein level; it is expected to preserve the reading frame integrity (PMID: 19138766). Consequently, it has been classified as Pathogenic.

Baylor Genetics
Classification: Likely pathogenic for Muscular dystrophy-dystroglycanopathy (congenital with brain and eye anomalies), type A2. Last evaluated: 2022-04-19. Review status: criteria provided, single submitter. Criteria: ACMG Guidelines, 2015. Collection method: clinical testing. Allele origin: unknown.

OMIM
Classification: Pathogenic for MUSCULAR DYSTROPHY-DYSTROGLYCANOPATHY (CONGENITAL WITH BRAIN AND EYE ANOMALIES), TYPE A, 2. Last evaluated: 2009-07-01. Review status: no assertion criteria provided. Collection method: literature only. Allele origin: germline. Not counted in ClinVar's aggregate classification.

Literature cited by the submitters: PubMed 19138766 (cited by 3 submitters).